The following is an entry in ClinVar:

NM_000321.3(RB1):c.2402G>A (p.Gly801Glu)

Gene: RB1 (RB transcriptional corepressor 1; plus strand). Cytogenetic location: 13q14.2.
Variant type: single nucleotide variant.
Coding change: c.2402G>A on transcript NM_000321.3 (MANE Select); coding-DNA position 2402, G replaced by A.
Protein change: p.Gly801Glu; replaces glycine 801 with glutamic acid.
Molecular consequence: missense variant.
Genome position (GRCh38, 1-based): chr13:48,465,281, G>A. VCF-style: chr13-48465281-G-A. GRCh37 (hg19) VCF-style: chr13-49039417-G-A.
Other names: c.2402G>A, p.Gly801Glu (NM_001407165.1); short protein forms G801E.
Identifiers: ClinVar variation 3231219 (VCV003231219.1), dbSNP rs1451667942, ClinGen allele CA388167902.

ClinVar aggregate classification (germline): Uncertain significance (1 of 4 stars; one submission).

Conditions:
Hereditary cancer-predisposing syndrome. Also called: Neoplastic Syndromes, Hereditary; Tumor predisposition; Hereditary neoplastic syndrome; Hereditary Cancer Syndrome. Identifiers: Orphanet 140162, MedGen C0027672, MeSH D009386, MONDO:0015356.

Allele frequency attached by ClinVar (database versions not stated): gnomAD exomes below 0.00001.
gnomAD v4.1: 2 of 1,612,246 alleles (0.00012%); highest among the groups gnomAD compares: Non-Finnish European, 0.000085%; no homozygotes.

Submission:

Ambry Genetics
Classification: Uncertain significance for Hereditary cancer-predisposing syndrome. Last evaluated: 2023-11-29. Review status: criteria provided, single submitter. Criteria: Ambry Variant Classification Scheme 2023. Collection method: clinical testing. Allele origin: germline.
Comment: The p.G801E variant (also known as c.2402G>A), located in coding exon 23 of the RB1 gene, results from a G to A substitution at nucleotide position 2402. The glycine at codon 801 is replaced by glutamic acid, an amino acid with similar properties. This amino acid position is well conserved in available vertebrate species. In addition, the in silico prediction for this alteration is inconclusive. Since supporting evidence is limited at this time, the clinical significance of this alteration remains unclear.